The following is an entry in ClinVar:

Single allele

Genes: LRRFIP1 (LRR binding FLII interacting protein 1; plus strand), MAB21L4 (mab-21 like 4; minus strand), MIR149 (microRNA 149; plus strand), OR6B3 (olfactory receptor family 6 subfamily B member 3; minus strand), OTOS (otospiralin; minus strand) and 54 more. Cytogenetic location: 2q37.2-37.3.
Variant type: Deletion.
Identifiers: ClinVar variation 997810 (VCV000997810.1).

ClinVar aggregate classification (germline): Pathogenic (0 of 4 stars; one submission).

Conditions:
Intellectual disability. Also called: Intellectual functioning disability; intellectual disabilities; Intellectual developmental disorder. Identifiers: MedGen C3714756, MeSH D008607, MONDO:0001071, HP:0001249.

Submission:

Institute of Human Genetics, University of Leipzig Medical Center
Classification: Pathogenic for Intellectual disability. Last evaluated: 2021-02-25. Review status: no assertion criteria provided. Collection method: clinical testing. Allele origin: unknown. Inheritance: Autosomal dominant inheritance. Affected: yes. Observed: 1 variant allele, 1 heterozygote.
Comment: Inheritance was not applicable (heterozygous). The variant was reviewed according to current ClinGen recommendations and classified as Pathogenic (criteria: 1A(0), 2A(1), 3C(0.9), 5H(0.3), Total score=2.2).